The following is an entry in ClinVar:

NM_001286577.2(C2CD3):c.3506A>G (p.Asn1169Ser)

Gene: C2CD3 (C2 domain containing 3 centriole elongation regulator; minus strand). Cytogenetic location: 11q13.4.
Variant type: single nucleotide variant.
Coding change: c.3506A>G on transcript NM_001286577.2 (MANE Select); coding-DNA position 3506, A replaced by G.
Protein change: p.Asn1169Ser; replaces asparagine 1169 with serine.
Molecular consequence: missense variant.
Genome position (GRCh38, 1-based): chr11:74,092,427, T>C on the plus strand (A>G on the coding strand, the complement: C2CD3 is on the minus strand). VCF-style: chr11-74092427-T-C. GRCh37 (hg19) VCF-style: chr11-73803472-T-C.
Other names: c.3506A>G, p.Asn1169Ser (NM_015531.6); short protein forms N1169S.
Identifiers: ClinVar variation 2074270 (VCV002074270.1), dbSNP rs773972982, ClinGen allele CA6182378.

ClinVar aggregate classification (germline): Uncertain significance (1 of 4 stars; one submission).

Allele frequency attached by ClinVar (database versions not stated): gnomAD 0.00001; gnomAD exomes 0.00002; TOPMed 0.00003; ExAC 0.00005.
gnomAD v4.1: 36 of 1,613,310 alleles (0.0022%); highest among the groups gnomAD compares: Middle Eastern, 0.082%; no homozygotes.

Submission:

Labcorp Genetics (formerly Invitae), Labcorp
Classification: Uncertain significance. Last evaluated: 2022-06-13. Review status: criteria provided, single submitter. Criteria: Invitae Variant Classification Sherloc (09022015). Collection method: clinical testing. Allele origin: germline.
Comment: This sequence change replaces asparagine, which is neutral and polar, with serine, which is neutral and polar, at codon 1169 of the C2CD3 protein (p.Asn1169Ser). This variant is present in population databases (rs773972982, gnomAD 0.01%). This variant has not been reported in the literature in individuals affected with C2CD3-related conditions. Algorithms developed to predict the effect of missense changes on protein structure and function output the following: SIFT: "Tolerated"; PolyPhen-2: "Benign"; Align-GVGD: "Class C0". The serine amino acid residue is found in multiple mammalian species, which suggests that this missense change does not adversely affect protein function. In summary, the available evidence is currently insufficient to determine the role of this variant in disease. Therefore, it has been classified as a Variant of Uncertain Significance.